The following is an entry in ClinVar:

ClinVar aggregate classification (germline): Uncertain significance. Review status: criteria provided, multiple submitters, no conflicts (2 of 4 stars). 2 submissions from 2 submitters: Uncertain significance (2). Last evaluated 2023-10-20.

Conditions:
Brachyolmia-amelogenesis imperfecta syndrome. Also called: PLATYSPONDYLY WITH AMELOGENESIS IMPERFECTA; Tooth agenesis, selective, 6; Dental anomalies and short stature. Identifiers: Orphanet 2899, MedGen C1832594, MONDO:0011018, OMIM 601216. Disease mechanism: loss of function.
Inborn genetic diseases. Identifiers: MedGen C0950123, MeSH D030342.

Allele frequency attached by ClinVar (database versions not stated): gnomAD exomes 0.00002; gnomAD 0.00003; TOPMed 0.00003; ExAC 0.00007; 1000 Genomes Project 30x 0.00031; 1000 Genomes Project 0.00040.
gnomAD v4.1: 37 of 1,570,946 alleles (0.0024%); highest among the groups gnomAD compares: African/African-American, 0.0094%; no homozygotes.

Submissions (2):

Labcorp Genetics (formerly Invitae), Labcorp
Classification: Uncertain significance for Brachyolmia-amelogenesis imperfecta syndrome. Last evaluated: 2023-10-20. Review status: criteria provided, single submitter. Criteria: Invitae Variant Classification Sherloc (09022015). Collection method: clinical testing. Allele origin: germline.
Comment: This sequence change replaces glycine, which is neutral and non-polar, with serine, which is neutral and polar, at codon 780 of the LTBP3 protein (p.Gly780Ser). This variant is present in population databases (rs573478612, gnomAD 0.03%). This variant has not been reported in the literature in individuals affected with LTBP3-related conditions. An algorithm developed to predict the effect of missense changes on protein structure and function (PolyPhen-2) suggests that this variant is likely to be tolerated. In summary, the available evidence is currently insufficient to determine the role of this variant in disease. Therefore, it has been classified as a Variant of Uncertain Significance.

Ambry Genetics
Classification: Uncertain significance for Inborn genetic diseases. Last evaluated: 2023-08-30. Review status: criteria provided, single submitter. Criteria: Ambry Variant Classification Scheme 2023. Collection method: clinical testing. Allele origin: germline.
Comment: The p.G780S variant (also known as c.2338G>A), located in coding exon 16 of the LTBP3 gene, results from a G to A substitution at nucleotide position 2338. The glycine at codon 780 is replaced by serine, an amino acid with similar properties. This amino acid position is conserved. In addition, the in silico prediction for this alteration is inconclusive. Since supporting evidence is limited at this time, the clinical significance of this alteration remains unclear.

NM_001130144.3(LTBP3):c.2338G>A (p.Gly780Ser)

Genes: LTBP3 (latent transforming growth factor beta binding protein 3; minus strand), LOC130006029 (ATAC-STARR-seq lymphoblastoid silent region 3532; plus strand). Cytogenetic location: 11q13.1.
Variant type: single nucleotide variant.
Coding change: c.2338G>A on transcript NM_001130144.3 (MANE Select); coding-DNA position 2338, G replaced by A.
Protein change: p.Gly780Ser; replaces glycine 780 with serine.
Molecular consequence: missense variant.
Genome position (GRCh38, 1-based): chr11:65,546,457, C>T on the plus strand (G>A on the coding strand, the complement: LTBP3 is on the minus strand). VCF-style: chr11-65546457-C-T. GRCh37 (hg19) VCF-style: chr11-65313928-C-T.
Other names: c.1987G>A, p.Gly663Ser (NM_001164266.1); c.2338G>A, p.Gly780Ser (NM_021070.4); short protein forms G663S, G780S.
Identifiers: ClinVar variation 2619267 (VCV002619267.5), dbSNP rs573478612, ClinGen allele CA6100650.